The following is an entry in ClinVar:

ClinVar aggregate classification (germline): Uncertain significance. Review status: criteria provided, multiple submitters, no conflicts (2 of 4 stars). 2 submissions from 2 submitters: Uncertain significance (2). Last evaluated 2026-07-27.

Conditions:
LEPR-related disorder. Also called: LEPR-related condition; LEPR-related disorders.

Allele frequency attached by ClinVar (database versions not stated): gnomAD exomes 0.00002 and 0.00004; ExAC 0.00004; gnomAD 0.00005 and 0.00006; TOPMed 0.00011.

Submissions (2):

PreventionGenetics, part of Exact Sciences
Classification: Uncertain significance for LEPR-related condition. Last evaluated: 2026-07-27. Review status: criteria provided, single submitter. Criteria: ACMG Guidelines, 2015. Collection method: clinical testing. Allele origin: germline.
Comment: The LEPR c.1166G>A variant is predicted to result in the amino acid substitution p.Ser389Asn. This variant has been observed in individuals with obesity and in vitro functional studies showed inconclusive evidence of loss of function (Courbage et al. 2021. PubMed ID: 34097736; Table S1, Delplanque et al. 2024. PubMed ID: 39561769; Supplemental Data Set, Shah et al. 2023. PubMed ID: 36864747). This variant is reported in 0.0098% of alleles in individuals of South Asian descent in gnomAD and is classified as uncertain in ClinVar (Variation ID: 297992). At this time, the clinical significance of this variant is uncertain due to the absence of conclusive functional and genetic evidence.

GeneDx
Classification: Uncertain significance. Last evaluated: 2024-08-12. Review status: criteria provided, single submitter. Criteria: GeneDx Variant Classification Process June 2021. Collection method: clinical testing. Allele origin: germline. Affected: yes.
Comment: Identified in a patient with obesity in published literature, however, no second LEPR variant was reported and clinical details were not provided (PMID: 34097736); In silico analysis supports that this missense variant has a deleterious effect on protein structure/function; This variant is associated with the following publications: (PMID: 34097736)

NM_002303.6(LEPR):c.1166G>A (p.Ser389Asn)

Gene: LEPR (leptin receptor; plus strand). Cytogenetic location: 1p31.3.
Variant type: single nucleotide variant.
Coding change: c.1166G>A on transcript NM_002303.6 (MANE Select); coding-DNA position 1166, G replaced by A.
Protein change: p.Ser389Asn; replaces serine 389 with asparagine.
Molecular consequence: missense variant.
Genome position (GRCh38, 1-based): chr1:65,601,563, G>A. VCF-style: chr1-65601563-G-A. GRCh37 (hg19) VCF-style: chr1-66067246-G-A.
Other names: c.1166G>A, p.Ser389Asn (NM_001003679.3, NM_001003680.3, NM_001198687.2 and 2 more transcripts); short protein forms S389N.
Identifiers: ClinVar variation 297992 (VCV000297992.9), dbSNP rs780534740, ClinGen allele CA894738.